The following is an entry in ClinVar:

ClinVar aggregate classification (germline): Conflicting classifications of pathogenicity. Review status: criteria provided, conflicting classifications (1 of 4 stars). 2 submissions from 2 submitters: Uncertain significance (1); Likely benign (1). Last evaluated 2020-03-06.

Conditions:
Developmental and epileptic encephalopathy 94 (DEE94). Also called: Epileptic encephalopathy, childhood-onset; CHD2-Related Neurodevelopmental Disorders. Identifiers: Orphanet 1942, Orphanet 2382, MedGen C3809278, MONDO:0014150, OMIM 615369.
Inborn genetic diseases. Identifiers: MedGen C0950123, MeSH D030342.

Allele frequency attached by ClinVar (database versions not stated): gnomAD exomes 0.00001; ExAC 0.00002.
gnomAD v4.1: 10 of 1,613,388 alleles (0.00062%); highest among the groups gnomAD compares: Non-Finnish European, 0.00042%; no homozygotes.

Submissions (2):

Labcorp Genetics (formerly Invitae), Labcorp
Classification: Uncertain significance for Developmental and epileptic encephalopathy 94. Last evaluated: 2020-03-06. Review status: criteria provided, single submitter. Criteria: Invitae Variant Classification Sherloc (09022015). Collection method: clinical testing. Allele origin: germline.
Comment: This sequence change replaces glutamic acid with lysine at codon 1198 of the CHD2 protein (p.Glu1198Lys). The glutamic acid residue is highly conserved and there is a small physicochemical difference between glutamic acid and lysine. This variant is present in population databases (rs757981280, ExAC 0.003%). This variant has not been reported in the literature in individuals with CHD2-related conditions. Algorithms developed to predict the effect of missense changes on protein structure and function are either unavailable or do not agree on the potential impact of this missense change (SIFT: "Deleterious"; PolyPhen-2: "Benign"; Align-GVGD: "Class C55"). In summary, the available evidence is currently insufficient to determine the role of this variant in disease. Therefore, it has been classified as a Variant of Uncertain Significance.

Ambry Genetics
Classification: Likely benign for Inborn genetic diseases. Last evaluated: 2017-11-13. Review status: criteria provided, single submitter. Criteria: Ambry Variant Classification Scheme 2023. Collection method: clinical testing. Allele origin: germline.

NM_001271.4(CHD2):c.3592G>A (p.Glu1198Lys)

Gene: CHD2 (chromodomain helicase DNA binding protein 2; plus strand). Cytogenetic location: 15q26.1.
Variant type: single nucleotide variant.
Coding change: c.3592G>A on transcript NM_001271.4 (MANE Select); coding-DNA position 3592, G replaced by A.
Protein change: p.Glu1198Lys; replaces glutamic acid 1198 with lysine.
Molecular consequence: missense variant.
Genome position (GRCh38, 1-based): chr15:92,992,995, G>A. VCF-style: chr15-92992995-G-A. GRCh37 (hg19) VCF-style: chr15-93536225-G-A.
Other names: short protein forms E1198K.
Identifiers: ClinVar variation 1037331 (VCV001037331.11), dbSNP rs757981280, ClinGen allele CA7748256.
Genomic context (GRCh38, chr15:92,992,995, plus strand): 5'-CACAACAGCTGTGTGTCAGCAATGCAGGAATACGAAGAGCAGCTGAAAGAAAATGCCAGC[G>A]AGGGTAAGCGAAGTTGGCTTTAGTGAGTCTTCGCAACCTGGCACTCTTGGACTGGATTTC-3'
Protein context (NP_001262.3, residues 1188-1208): YEEQLKENAS[Glu1198Lys]GKGPGKRRGP